The following is an entry in ClinVar:

NM_002112.4(HDC):c.1959G>A (p.Leu653=)

Gene: HDC (histidine decarboxylase; minus strand). Cytogenetic location: 15q21.2.
Variant type: single nucleotide variant.
Coding change: c.1959G>A on transcript NM_002112.4 (MANE Select); coding-DNA position 1959, G replaced by A.
Protein change: p.Leu653=; no amino-acid change (leucine 653 retained).
Molecular consequence: synonymous variant.
Genome position (GRCh38, 1-based): chr15:50,242,290, C>T on the plus strand (G>A on the coding strand, the complement: HDC is on the minus strand). VCF-style: chr15-50242290-C-T. GRCh37 (hg19) VCF-style: chr15-50534487-C-T.
Other names: c.1860G>A, p.Leu620= (NM_001306146.2).
Identifiers: ClinVar variation 4874041 (VCV004874041.2).
Genomic context (GRCh38, chr15:50,242,290, plus strand): 5'-ATCCTCAGACTCTGGCTGAAGGCCCTGTGTCTAAACCATGGCCTGCAGAGGGCAACAGGG[C>T]AGCTGGAGTCCACATTGAGAGCTGCATTCAGGAAAGCTGGGGACGCTGTAGAATTTGATG-3'
Protein context (NP_002103.2, residues 643-662): PECSSQCGLQ[Leu653=]PCCPLQAMV

ClinVar aggregate classification (germline): Likely benign (1 of 4 stars; one submission).

Submission:

CeGaT Center for Human Genetics Tuebingen
Classification: Likely benign. Last evaluated: 2026-04-01. Review status: criteria provided, single submitter. Criteria: CeGaT Center For Human Genetics Tuebingen Variant Classification Criteria Version 2. Collection method: clinical testing. Allele origin: germline. Affected: yes. Observed: 1 variant allele.
Comment: HDC: BP4, BP7